The following is an entry in ClinVar:

NM_020937.4(FANCM):c.2452A>T (p.Ile818Leu)

Gene: FANCM (FA complementation group M; plus strand). Cytogenetic location: 14q21.2.
Variant type: single nucleotide variant.
Coding change: c.2452A>T on transcript NM_020937.4 (MANE Select); coding-DNA position 2452, A replaced by T.
Protein change: p.Ile818Leu; replaces isoleucine 818 with leucine.
Molecular consequence: missense variant.
Genome position (GRCh38, 1-based): chr14:45,175,206, A>T. VCF-style: chr14-45175206-A-T. GRCh37 (hg19) VCF-style: chr14-45644409-A-T.
Other names: c.2374A>T, p.Ile792Leu (NM_001308133.2); short protein forms I792L, I818L.
Identifiers: ClinVar variation 5036625 (VCV005036625.1).
Genomic context (GRCh38, chr14:45,175,206, plus strand): 5'-AGGAATGAATCTAATAATCTTGCCAGTGACACCTTTATCACTCACAAGAAATCGTCATTT[A>T]TAAAGAACATAAATCAAGGCAGTTCATCCTCAGTGATAGAATCTGATGAAGAATGTGCTG-3'
Protein context (NP_065988.1, residues 808-828): TFITHKKSSF[Ile818Leu]KNINQGSSSS

ClinVar aggregate classification (germline): Uncertain significance (1 of 4 stars; one submission).

Conditions:
Inborn genetic diseases. Identifiers: MedGen C0950123, MeSH D030342.

Submission:

Ambry Genetics
Classification: Uncertain significance for Inborn genetic diseases. Last evaluated: 2026-07-18. Review status: criteria provided, single submitter. Criteria: Ambry Variant Classification Scheme 2023. Collection method: clinical testing. Allele origin: germline.
Comment: The p.I818L variant (also known as c.2452A>T), located in coding exon 14 of the FANCM gene, results from an A to T substitution at nucleotide position 2452. The isoleucine at codon 818 is replaced by leucine, an amino acid with highly similar properties. This amino acid position is conserved. In addition, this alteration is predicted to be tolerated by in silico analysis. Based on the available evidence, the clinical significance of this variant remains unclear.